The following is an entry in ClinVar:

ClinVar aggregate classification (germline): Uncertain significance. Review status: criteria provided, multiple submitters, no conflicts (2 of 4 stars). 2 submissions from 2 submitters: Uncertain significance (2). Last evaluated 2025-08-13.

Conditions:
Inborn genetic diseases. Identifiers: MedGen C0950123, MeSH D030342.

Allele frequency attached by ClinVar (database versions not stated): gnomAD 0.00001; ExAC 0.00002; gnomAD exomes 0.00002; TOPMed 0.00002.
gnomAD v4.1: 30 of 1,614,034 alleles (0.0019%); highest among the groups gnomAD compares: Admixed American, 0.01%; no homozygotes.

Submissions (2):

Labcorp Genetics (formerly Invitae), Labcorp
Classification: Uncertain significance. Last evaluated: 2025-08-13. Review status: criteria provided, single submitter. Criteria: Invitae Variant Classification Sherloc (09022015). Collection method: clinical testing. Allele origin: germline.
Comment: This sequence change replaces valine, which is neutral and non-polar, with isoleucine, which is neutral and non-polar, at codon 237 of the TNFRSF11B protein (p.Val237Ile). This variant is present in population databases (rs767035135, gnomAD 0.01%). This variant has not been reported in the literature in individuals affected with TNFRSF11B-related conditions. ClinVar contains an entry for this variant (Variation ID: 2064355). Invitae Evidence Modeling of protein sequence and biophysical properties (such as structural, functional, and spatial information, amino acid conservation, physicochemical variation, residue mobility, and thermodynamic stability) indicates that this missense variant is not expected to disrupt TNFRSF11B protein function with a negative predictive value of 80%. In summary, the available evidence is currently insufficient to determine the role of this variant in disease. Therefore, it has been classified as a Variant of Uncertain Significance.

Ambry Genetics
Classification: Uncertain significance for Inborn genetic diseases. Last evaluated: 2025-04-14. Review status: criteria provided, single submitter. Criteria: Ambry Variant Classification Scheme 2023. Collection method: clinical testing. Allele origin: germline.

NM_002546.4(TNFRSF11B):c.709G>A (p.Val237Ile)

Gene: TNFRSF11B (TNF receptor superfamily member 11b; minus strand). Cytogenetic location: 8q24.12.
Variant type: single nucleotide variant.
Coding change: c.709G>A on transcript NM_002546.4 (MANE Select); coding-DNA position 709, G replaced by A.
Protein change: p.Val237Ile; replaces valine 237 with isoleucine.
Molecular consequence: missense variant.
Genome position (GRCh38, 1-based): chr8:118,926,602, C>T on the plus strand (G>A on the coding strand, the complement: TNFRSF11B is on the minus strand). VCF-style: chr8-118926602-C-T. GRCh37 (hg19) VCF-style: chr8-119938841-C-T.
Other names: c.709G>A (NM_002546.3); short protein forms V237I.
Identifiers: ClinVar variation 2064355 (VCV002064355.5), dbSNP rs767035135, ClinGen allele CA4854845.